The following is an entry in ClinVar:

NM_001130004.2(ACTN1):c.2012T>C (p.Leu671Pro)

Gene: ACTN1 (actinin alpha 1; minus strand). Cytogenetic location: 14q24.1.
Variant type: single nucleotide variant.
Coding change: c.2012T>C on transcript NM_001130004.2 (MANE Select); coding-DNA position 2012, T replaced by C.
Protein change: p.Leu671Pro; replaces leucine 671 with proline.
Molecular consequence: missense variant.
Genome position (GRCh38, 1-based): chr14:68,880,931, A>G on the plus strand (T>C on the coding strand, the complement: ACTN1 is on the minus strand). VCF-style: chr14-68880931-A-G. GRCh37 (hg19) VCF-style: chr14-69347648-A-G.
Other names: c.2012T>C, p.Leu671Pro (NM_001102.4, NM_001130005.2, NM_001424012.1 and 2 more transcripts); c.2036T>C, p.Leu679Pro (NM_001411035.1, NM_001424016.1); c.1817T>C, p.Leu606Pro (NM_001411036.1, NM_001424026.1, NM_001424028.1); c.2138T>C, p.Leu713Pro (NM_001424013.1); c.2099T>C, p.Leu700Pro (NM_001424015.1); c.2009T>C, p.Leu670Pro (NM_001424017.1); c.1973T>C, p.Leu658Pro (NM_001424018.1); c.1829T>C, p.Leu610Pro (NM_001424019.1, NM_001424024.1, NM_001424025.1 and 2 more transcripts); and 3 more; short protein forms L396P, L670P, L648P, L650P, L679P, L610P, L700P, L606P.
Identifiers: ClinVar variation 4745166 (VCV004745166.1).

ClinVar aggregate classification (germline): Uncertain significance (1 of 4 stars; one submission).

Submission:

Labcorp Genetics (formerly Invitae), Labcorp
Classification: Uncertain significance. Last evaluated: 2025-11-25. Review status: criteria provided, single submitter. Criteria: Invitae Variant Classification Sherloc (09022015). Collection method: clinical testing. Allele origin: germline.
Comment: This sequence change replaces leucine, which is neutral and non-polar, with proline, which is neutral and non-polar, at codon 671 of the ACTN1 protein (p.Leu671Pro). This variant is not present in population databases (gnomAD no frequency). This variant has not been reported in the literature in individuals affected with ACTN1-related conditions. Invitae Evidence Modeling of protein sequence and biophysical properties (such as structural, functional, and spatial information, amino acid conservation, physicochemical variation, residue mobility, and thermodynamic stability) indicates that this missense variant is expected to disrupt ACTN1 protein function with a positive predictive value of 80%. In summary, the available evidence is currently insufficient to determine the role of this variant in disease. Therefore, it has been classified as a Variant of Uncertain Significance.